The following is an entry in ClinVar:

NM_024675.4(PALB2):c.109-11G>T

Gene: PALB2 (partner and localizer of BRCA2; minus strand). Cytogenetic location: 16p12.2.
Variant type: single nucleotide variant.
Coding change: c.109-11G>T on transcript NM_024675.4 (MANE Select); 11 bases into the intron before coding-DNA position 109, G replaced by T.
Molecular consequence: intron variant.
Genome position (GRCh38, 1-based): chr16:23,637,963, C>A on the plus strand (G>T on the coding strand, the complement: PALB2 is on the minus strand). VCF-style: chr16-23637963-C-A. GRCh37 (hg19) VCF-style: chr16-23649284-C-A.
Identifiers: ClinVar variation 2101452 (VCV002101452.7), dbSNP rs2506536955, ClinGen allele CA2580091387.

ClinVar aggregate classification (germline): Likely benign. Review status: criteria provided, multiple submitters, no conflicts (2 of 4 stars). 4 submissions from 4 submitters: Likely benign (4). Last evaluated 2025-10-09.

Conditions:
Breast-ovarian cancer, familial, susceptibility to, 5 (BROVCA5). Identifiers: MedGen C5830615, MONDO:0957530, OMIM 620442.
Hereditary cancer-predisposing syndrome. Also called: Hereditary Cancer Syndrome; Tumor predisposition; Neoplastic Syndromes, Hereditary; Hereditary neoplastic syndrome. Identifiers: Orphanet 140162, MedGen C0027672, MeSH D009386, MONDO:0015356.
Familial cancer of breast. Also called: Hereditary breast cancer; hereditary breast carcinoma; BREAST CANCER, FAMILIAL. Identifiers: Orphanet 227535, MedGen C0346153, MONDO:0016419, OMIM 114480. Disease mechanism: loss of function.

Submissions (4):

Labcorp Genetics (formerly Invitae), Labcorp
Classification: Likely benign for Familial cancer of breast. Last evaluated: 2025-10-09. Review status: criteria provided, single submitter. Criteria: Invitae Variant Classification Sherloc (09022015). Collection method: clinical testing. Allele origin: germline.

Color Diagnostics, LLC DBA Color Health
Classification: Likely benign for Hereditary cancer-predisposing syndrome. Last evaluated: 2025-03-04. Review status: criteria provided, single submitter. Criteria: ACMG Guidelines, 2015. Collection method: clinical testing. Allele origin: germline.

Myriad Genetics, Inc.
Classification: Likely benign for Familial cancer of breast. Last evaluated: 2025-01-09. Review status: criteria provided, single submitter. Criteria: Myriad Autosomal Dominant, Autosomal Recessive and X-Linked Classification Criteria (2023). Collection method: clinical testing. Allele origin: unknown.
Comment: This variant is considered likely benign. This variant is intronic and is not expected to impact mRNA splicing.

Department of Pathology and Laboratory Medicine, Sinai Health System
Classification: Likely benign for Breast-ovarian cancer, familial, susceptibility to, 5. Last evaluated: 2022-07-27. Review status: criteria provided, single submitter. Criteria: ACMG Guidelines, 2015. Collection method: clinical testing. Allele origin: germline. Affected: yes.